The following is an entry in ClinVar:

NM_001084.5(PLOD3):c.53_65dup (p.Ser23fs)

Gene: PLOD3 (procollagen-lysine,2-oxoglutarate 5-dioxygenase 3; minus strand). Cytogenetic location: 7q22.1.
Variant type: Duplication.
Coding change: c.53_65dup on transcript NM_001084.5 (MANE Select); coding-DNA positions 53 to 65, 13 bases duplicated (TGCCCCCTGCGGC).
Protein change: p.Ser23fs; shifts the reading frame from serine 23.
Molecular consequence: frameshift variant.
Genome position (GRCh38, 1-based): chr7:101,217,210-101,217,222, GCCGCAGGGGGCA duplicated on the plus strand (TGCCCCCTGCGGC on the coding strand, the reverse complement: PLOD3 is on the minus strand); duplicating any 13 consecutive bases within chr7:101,217,210-101,217,224 gives the same sequence; the c. name uses the placement nearest the transcript's 3' end. VCF-style (leftmost placement, unchanged base first): chr7-101217209-G-GGCCGCAGGGGGCA. GRCh37 (hg19) VCF-style: chr7-100860490-G-GGCCGCAGGGGGCA.
Other names: short protein forms S23fs.
Identifiers: ClinVar variation 2783463 (VCV002783463.3), dbSNP rs2535180472, ClinGen allele CA2739278711.

ClinVar aggregate classification (germline): Pathogenic (1 of 4 stars; one submission).

Submission:

Labcorp Genetics (formerly Invitae), Labcorp
Classification: Pathogenic. Last evaluated: 2023-04-01. Review status: criteria provided, single submitter. Criteria: Invitae Variant Classification Sherloc (09022015). Collection method: clinical testing. Allele origin: germline.
Comment: This sequence change creates a premature translational stop signal (p.Ser23Alafs*30) in the PLOD3 gene. It is expected to result in an absent or disrupted protein product. Loss-of-function variants in PLOD3 are known to be pathogenic (PMID: 30237576). This variant is not present in population databases (gnomAD no frequency). This variant has not been reported in the literature in individuals affected with PLOD3-related conditions. For these reasons, this variant has been classified as Pathogenic.

Literature cited by the submitters: PubMed 30237576.